The following is an entry in ClinVar:

NM_144997.7(FLCN):c.1612A>G (p.Ile538Val)

Gene: FLCN (folliculin; minus strand). Cytogenetic location: 17p11.2.
Variant type: single nucleotide variant.
Coding change: c.1612A>G on transcript NM_144997.7 (MANE Select); coding-DNA position 1612, A replaced by G.
Protein change: p.Ile538Val; replaces isoleucine 538 with valine.
Molecular consequence: missense variant.
Genome position (GRCh38, 1-based): chr17:17,213,783, T>C on the plus strand (A>G on the coding strand, the complement: FLCN is on the minus strand). VCF-style: chr17-17213783-T-C. GRCh37 (hg19) VCF-style: chr17-17117097-T-C.
Other names: c.1666A>G, p.Ile556Val (NM_001353229.2); c.1612A>G, p.Ile538Val (NM_001353230.2, NM_001353231.2); short protein forms I538V, I556V.
Identifiers: ClinVar variation 1463042 (VCV001463042.8), dbSNP rs2046821567, ClinGen allele CA398530016.

ClinVar aggregate classification (germline): Uncertain significance. Review status: criteria provided, multiple submitters, no conflicts (2 of 4 stars). 2 submissions from 2 submitters: Uncertain significance (2). Last evaluated 2025-02-12.

Conditions:
Birt-Hogg-Dube syndrome. Also called: Birt Hogg Dubé syndrome. Identifiers: Orphanet 122, MedGen C0346010, MONDO:0800444.
Hereditary cancer-predisposing syndrome. Also called: Neoplastic Syndromes, Hereditary; Hereditary Cancer Syndrome; Tumor predisposition; Hereditary neoplastic syndrome. Identifiers: Orphanet 140162, MedGen C0027672, MeSH D009386, MONDO:0015356.

gnomAD v4.1: 1 of 1,614,260 alleles (0.000062%); highest among the groups gnomAD compares: Non-Finnish European, 0.000085%; no homozygotes.

Submissions (2):

Labcorp Genetics (formerly Invitae), Labcorp
Classification: Uncertain significance for Birt-Hogg-Dube syndrome. Last evaluated: 2025-02-12. Review status: criteria provided, single submitter. Criteria: Invitae Variant Classification Sherloc (09022015). Collection method: clinical testing. Allele origin: germline.
Comment: This sequence change replaces isoleucine, which is neutral and non-polar, with valine, which is neutral and non-polar, at codon 538 of the FLCN protein (p.Ile538Val). This variant is not present in population databases (gnomAD no frequency). This variant has not been reported in the literature in individuals affected with FLCN-related conditions. ClinVar contains an entry for this variant (Variation ID: 1463042). Invitae Evidence Modeling of protein sequence and biophysical properties (such as structural, functional, and spatial information, amino acid conservation, physicochemical variation, residue mobility, and thermodynamic stability) indicates that this missense variant is not expected to disrupt FLCN protein function with a negative predictive value of 80%. In summary, the available evidence is currently insufficient to determine the role of this variant in disease. Therefore, it has been classified as a Variant of Uncertain Significance.

Ambry Genetics
Classification: Uncertain significance for Hereditary cancer-predisposing syndrome. Last evaluated: 2022-06-11. Review status: criteria provided, single submitter. Criteria: Ambry Variant Classification Scheme 2023. Collection method: clinical testing. Allele origin: germline.
Comment: The p.I538V variant (also known as c.1612A>G), located in coding exon 11 of the FLCN gene, results from an A to G substitution at nucleotide position 1612. The isoleucine at codon 538 is replaced by valine, an amino acid with highly similar properties. This amino acid position is conserved. In addition, this alteration is predicted to be tolerated by in silico analysis. Since supporting evidence is limited at this time, the clinical significance of this alteration remains unclear.